The following is an entry in ClinVar:

NM_006662.3(SRCAP):c.8975CTGTCACCA[1] (p.2992TVT[1])

Gene: SRCAP (Snf2 related CREBBP activator protein; plus strand). Cytogenetic location: 16p11.2.
Variant type: Microsatellite.
Coding change: c.8975CTGTCACCA[1] on transcript NM_006662.3 (MANE Select); one copy of the 9-base unit CTGTCACCA starting at c.8975; the reference has two copies in a row; one copy, 9 bases deleted; also written c.8984_8992del.
Protein change: p.2992TVT[1].
Molecular consequence: inframe deletion.
Genome position (GRCh38, 1-based): chr16:30,739,024-30,739,032, CTGTCACCA deleted; deleting any 9 consecutive bases within chr16:30,739,013-30,739,032 gives the same sequence; the position shown is the placement nearest the transcript's 3' end. VCF-style (leftmost placement, unchanged base first): chr16-30739012-ACACTGTCAC-A. GRCh37 (hg19) VCF-style: chr16-30750333-ACACTGTCAC-A.
Other names: c.8984_8992del (NM_006662.2); c.8984_8992del9 (NM_006662.2).
Identifiers: ClinVar variation 732936 (VCV000732936.35), dbSNP rs559460451, ClinGen allele CA8012804.

ClinVar aggregate classification (germline): Benign/Likely benign. Review status: criteria provided, multiple submitters, no conflicts (2 of 4 stars). 4 submissions from 4 submitters: Benign (1); Likely benign (2). 1 of the submissions does not count toward it. Last evaluated 2026-01-18.

Conditions:
SRCAP-related disorder. Also called: SRCAP-related condition.

Submissions (4):

Labcorp Genetics (formerly Invitae), Labcorp
Classification: Likely benign. Last evaluated: 2026-01-18. Review status: criteria provided, single submitter. Criteria: Invitae Variant Classification Sherloc (09022015). Collection method: clinical testing. Allele origin: germline.

Blueprint Genetics
Classification: Likely benign. Last evaluated: 2024-11-15. Review status: criteria provided, single submitter. Criteria: ACMG Guidelines, 2015. Collection method: clinical testing. Allele origin: germline.

CeGaT Center for Human Genetics Tuebingen
Classification: Benign. Last evaluated: 2024-04-01. Review status: criteria provided, single submitter. Criteria: CeGaT Center For Human Genetics Tuebingen Variant Classification Criteria Version 2. Collection method: clinical testing. Allele origin: germline. Affected: yes. Observed: 2 variant alleles.
Comment: SRCAP: BS1, BS2

PreventionGenetics, part of Exact Sciences
Classification: Likely benign for SRCAP-related condition. Last evaluated: 2021-08-18. Review status: no assertion criteria provided. Collection method: clinical testing. Allele origin: germline. Not counted in ClinVar's aggregate classification.
Comment: This variant is classified as likely benign based on ACMG/AMP sequence variant interpretation guidelines (Richards et al. 2015 PMID: 25741868, with internal and published modifications).